The following is an entry in ClinVar:

ClinVar aggregate classification (germline): Conflicting classifications of pathogenicity. Review status: criteria provided, conflicting classifications (1 of 4 stars). 2 submissions from 2 submitters: Uncertain significance (1); Likely benign (1). Last evaluated 2025-03-13.

Conditions:
Inborn genetic diseases. Identifiers: MedGen C0950123, MeSH D030342.

Allele frequency attached by ClinVar (database versions not stated): ESP Exome Variant Server 0.00008; 1000 Genomes Project 0.00020; 1000 Genomes Project 30x 0.00031; gnomAD 0.00001; gnomAD exomes 0.00001; ExAC 0.00002.

Submissions (2):

Labcorp Genetics (formerly Invitae), Labcorp
Classification: Uncertain significance. Last evaluated: 2025-03-13. Review status: criteria provided, single submitter. Criteria: Invitae Variant Classification Sherloc (09022015). Collection method: clinical testing. Allele origin: germline.
Comment: This sequence change replaces lysine, which is basic and polar, with arginine, which is basic and polar, at codon 2502 of the KMT2A protein (p.Lys2502Arg). This variant is present in population databases (rs150412512, gnomAD 0.01%). This variant has not been reported in the literature in individuals affected with KMT2A-related conditions. ClinVar contains an entry for this variant (Variation ID: 1913389). Invitae Evidence Modeling of protein sequence and biophysical properties (such as structural, functional, and spatial information, amino acid conservation, physicochemical variation, residue mobility, and thermodynamic stability) indicates that this missense variant is not expected to disrupt KMT2A protein function with a negative predictive value of 95%. In summary, the available evidence is currently insufficient to determine the role of this variant in disease. Therefore, it has been classified as a Variant of Uncertain Significance.

Ambry Genetics
Classification: Likely benign for Inborn genetic diseases. Last evaluated: 2024-03-19. Review status: criteria provided, single submitter. Criteria: Ambry Variant Classification Scheme 2023. Collection method: clinical testing. Allele origin: germline.

NM_001197104.2(KMT2A):c.7505A>G (p.Lys2502Arg)

Gene: KMT2A (lysine methyltransferase 2A; plus strand). Cytogenetic location: 11q23.3.
Variant type: single nucleotide variant.
Coding change: c.7505A>G on transcript NM_001197104.2 (MANE Select); coding-DNA position 7505, A replaced by G.
Protein change: p.Lys2502Arg; replaces lysine 2502 with arginine.
Molecular consequence: missense variant.
Genome position (GRCh38, 1-based): chr11:118,503,397, A>G. VCF-style: chr11-118503397-A-G. GRCh37 (hg19) VCF-style: chr11-118374112-A-G.
Other names: c.7595A>G, p.Lys2532Arg (NM_001412597.1); c.7496A>G, p.Lys2499Arg (NM_005933.4); short protein forms K2502R, K2532R, K2499R.
Identifiers: ClinVar variation 1913389 (VCV001913389.6), dbSNP rs150412512, ClinGen allele CA6304402.